The following is an entry in ClinVar:

ClinVar aggregate classification (germline): Uncertain significance. Review status: criteria provided, multiple submitters, no conflicts (2 of 4 stars). 8 submissions from 8 submitters: Uncertain significance (5). 3 of the submissions do not count toward it. Last evaluated 2026-09-01.

Conditions:
Inborn genetic diseases. Identifiers: MedGen C0950123, MeSH D030342.
Intellectual disability. Also called: Intellectual functioning disability; Intellectual developmental disorder; intellectual disabilities. Identifiers: MedGen C3714756, MeSH D008607, MONDO:0001071, HP:0001249.
Cohen syndrome (COH1). Also called: Cutis verticis gyrata, retinitis pigmentosa, and sensorineural deafness; PEPPER SYNDROME. Identifiers: Orphanet 193, MedGen C0265223, MONDO:0008999, OMIM 216550.
VPS13B-related disorder. Also called: VPS13B-related condition.

Allele frequency attached by ClinVar (database versions not stated): ExAC 0.00019; gnomAD 0.00019 and 0.00021; gnomAD exomes 0.00019 and 0.00037; ESP Exome Variant Server 0.00023; TOPMed 0.00025.
gnomAD v4.1: 564 of 1,614,006 alleles (0.035%); highest among the groups gnomAD compares: Non-Finnish European, 0.045%; no homozygotes.

Submissions (8):

Ambry Genetics
Classification: Uncertain significance for Inborn genetic diseases. Last evaluated: 2026-09-01. Review status: criteria provided, single submitter. Criteria: Ambry Variant Classification Scheme 2023. Collection method: clinical testing. Allele origin: germline.
Comment: The c.11413G>T (p.V3805L) alteration is located in exon 59 (coding exon 58) of the VPS13B gene. This alteration results from a G to T substitution at nucleotide position 11413, causing the valine (V) at amino acid position 3805 to be replaced by a leucine (L). Based on data from gnomAD, the T allele has an overall frequency of 0.02% (56/282756) total alleles studied. The highest observed frequency was 0.034% (12/35404) of Latino alleles. Based on insufficient or conflicting evidence, the clinical significance of this alteration remains unclear.

PreventionGenetics, part of Exact Sciences
Classification: Uncertain significance for VPS13B-related condition. Last evaluated: 2026-04-03. Review status: criteria provided, single submitter. Criteria: ACMG Guidelines, 2015. Collection method: clinical testing. Allele origin: germline.
Comment: The VPS13B c.11338G>T variant is predicted to result in the amino acid substitution p.Val3780Leu. To our knowledge, this variant has not been reported in the literature. This variant is reported in 0.034% of alleles in individuals of Latino descent in gnomAD. At this time, the clinical significance of this variant is uncertain due to the absence of conclusive functional and genetic evidence.

Labcorp Genetics (formerly Invitae), Labcorp
Classification: Uncertain significance for Cohen syndrome. Last evaluated: 2025-01-18. Review status: criteria provided, single submitter. Criteria: Invitae Variant Classification Sherloc (09022015). Collection method: clinical testing. Allele origin: germline.
Comment: This sequence change replaces valine, which is neutral and non-polar, with leucine, which is neutral and non-polar, at codon 3805 of the VPS13B protein (p.Val3805Leu). This variant is present in population databases (rs138565077, gnomAD 0.03%). This variant has not been reported in the literature in individuals affected with VPS13B-related conditions. ClinVar contains an entry for this variant (Variation ID: 361096). Invitae Evidence Modeling of protein sequence and biophysical properties (such as structural, functional, and spatial information, amino acid conservation, physicochemical variation, residue mobility, and thermodynamic stability) indicates that this missense variant is expected to disrupt VPS13B protein function with a positive predictive value of 80%. In summary, the available evidence is currently insufficient to determine the role of this variant in disease. Therefore, it has been classified as a Variant of Uncertain Significance.

CeGaT Center for Human Genetics Tuebingen
Classification: Uncertain significance. Last evaluated: 2025-01-01. Review status: criteria provided, single submitter. Criteria: CeGaT Center For Human Genetics Tuebingen Variant Classification Criteria Version 2. Collection method: clinical testing. Allele origin: germline. Affected: yes. Observed: 2 variant alleles.
Comment: VPS13B: PM2

Illumina Laboratory Services, Illumina
Classification: Uncertain significance for Cohen syndrome. Last evaluated: 2018-01-13. Review status: criteria provided, single submitter. Criteria: ICSL Variant Classification Criteria 13 December 2019. Collection method: clinical testing. Allele origin: germline.

Natera, Inc.
Classification: Uncertain significance for Cohen syndrome. Last evaluated: 2020-01-09. Review status: no assertion criteria provided. Collection method: clinical testing. Allele origin: germline. Not counted in ClinVar's aggregate classification.

Centre de Biologie Pathologie Génétique, Centre Hospitalier Universitaire de Lille
Classification: Likely benign for Intellectual disability. Last evaluated: 2019-01-01. Review status: no assertion criteria provided. Collection method: clinical testing. Allele origin: inherited. Affected: yes. Not counted in ClinVar's aggregate classification.

Department of Pathology and Laboratory Medicine, Sinai Health System
Classification: Uncertain significance. Review status: no assertion criteria provided. Collection method: clinical testing. Allele origin: unknown. Affected: yes. Study: The Canadian Open Genetics Repository (COGR). Not counted in ClinVar's aggregate classification.
Comment: The VPS13B p.Val3805Leu variant was not identified in the literature nor was it identified in Cosmic or LOVD 3.0. The variant was identified in dbSNP (ID: rs138565077) and in ClinVar (classified as a VUS by Inviate, Illumina and Praxis fuer Humangenetik Tuebingen). The variant was also identified in control databases in 56 of 282756 chromosomes at a frequency of 0.000198 (Genome Aggregation Database Feb 27, 2017). The variant was observed in the following populations: Latino in 12 of 35404 chromosomes (freq: 0.000339), European (non-Finnish) in 43 of 129138 chromosomes (freq: 0.000333) and African in 1 of 24956 chromosomes (freq: 0.00004); it was not observed in the Ashkenazi Jewish, East Asian, European (Finnish), Other, and South Asian populations. The p.Val3805 residue is conserved in mammals but not in more distantly related organisms and computational analyses (PolyPhen-2, SIFT, AlignGVGD, BLOSUM, MutationTaster) provide inconsistent predictions regarding the impact to the protein; this information is not very predictive of pathogenicity. The variant occurs outside of the splicing consensus sequence and in silico or computational prediction software programs (SpliceSiteFinder, MaxEntScan, NNSPLICE, GeneSplicer) do not predict a difference in splicing. In summary, based on the above information the clinical significance of this variant cannot be determined with certainty at this time. This variant is classified as a variant of uncertain significance.

NM_152564.5(VPS13B):c.11338G>T (p.Val3780Leu)

Gene: VPS13B (vacuolar protein sorting 13 homolog B; plus strand). Cytogenetic location: 8q22.2.
Variant type: single nucleotide variant.
Coding change: c.11338G>T on transcript NM_152564.5 (MANE Select); coding-DNA position 11338, G replaced by T.
Protein change: p.Val3780Leu; replaces valine 3780 with leucine.
Molecular consequence: missense variant.
Genome position (GRCh38, 1-based): chr8:99,868,411, G>T. VCF-style: chr8-99868411-G-T. GRCh37 (hg19) VCF-style: chr8-100880639-G-T.
Other names: c.11413G>T, p.Val3805Leu (NM_017890.5); c.11338G>T (NM_152564.4); short protein forms V3805L, V3780L.
Identifiers: ClinVar variation 361096 (VCV000361096.64), dbSNP rs138565077, ClinGen allele CA4825212.